The following is an entry in ClinVar:

NM_000116.5(TAFAZZIN):c.370G>A (p.Gly124Arg)

Gene: TAFAZZIN (tafazzin, phospholipid-lysophospholipid transacylase; plus strand). Cytogenetic location: Xq28.
Variant type: single nucleotide variant.
Coding change: c.370G>A on transcript NM_000116.5 (MANE Select); coding-DNA position 370, G replaced by A.
Protein change: p.Gly124Arg; replaces glycine 124 with arginine.
Molecular consequence: missense variant. On other transcripts: non-coding transcript variant (1).
Genome position (GRCh38, 1-based): chrX:154,413,567, G>A. VCF-style: chrX-154413567-G-A. GRCh37 (hg19) VCF-style: chrX-153641904-G-A.
Other names: c.424G>A, p.Gly142Arg (NM_001303465.2, NM_001410698.1); c.370G>A, p.Gly124Arg (NM_181311.4, NM_181312.4, NM_181313.4); c.370G>A (NM_000116.4); short protein forms G124R, G142R.
Identifiers: ClinVar variation 1799618 (VCV001799618.10), dbSNP rs1603377945, ClinGen allele CA415182152.

ClinVar aggregate classification (germline): Conflicting classifications of pathogenicity. Review status: criteria provided, conflicting classifications (1 of 4 stars). 4 submissions from 4 submitters: Likely pathogenic (1); Uncertain significance (3). Last evaluated 2025-01-10.

Conditions:
TAFAZZIN-related disorder. Also called: TAFAZZIN-related condition; TAFAZZIN-Related Disorders.
Cardiovascular phenotype. Identifiers: MedGen CN230736.
3-Methylglutaconic aciduria type 2 (BTHS). Also called: Barth syndrome; CARDIOSKELETAL MYOPATHY WITH NEUTROPENIA AND ABNORMAL MITOCHONDRIA. Identifiers: Orphanet 111, MedGen C0574083, MONDO:0010543, OMIM 302060.

Submissions (4):

PreventionGenetics, part of Exact Sciences
Classification: Uncertain significance for TAFAZZIN-related condition. Last evaluated: 2025-01-10. Review status: criteria provided, single submitter. Criteria: ACMG Guidelines, 2015. Collection method: clinical testing. Allele origin: germline.
Comment: The TAFAZZIN c.370G>A variant is predicted to result in the amino acid substitution p.Gly124Arg. The p.Gly124Arg variant has been reported in a cohort of individuals with Barth syndrome (Hijikata et al. 2015. PubMed ID: 25941633). This variant is located at the last nucleotide of exon 4 and is predicted to alter splicing based on available splicing prediction programs (SpliceAI, Jaganathan et al. 2019. PubMed ID: 30661751). This variant and an alternate nucleotide change resulting in the same amino acid substitution, c.370G>C (p.Gly124Arg), have been documented in Barth syndrome foundation. This variant has not been reported in a large population database (gnomAD), indicating this variant is rare. Although we suspect that this variant may be pathogenic, at this time, the clinical significance of this variant is uncertain due to the absence of conclusive functional and genetic evidence.

Labcorp Genetics (formerly Invitae), Labcorp
Classification: Uncertain significance for 3-Methylglutaconic aciduria type 2. Last evaluated: 2023-05-31. Review status: criteria provided, single submitter. Criteria: Invitae Variant Classification Sherloc (09022015). Collection method: clinical testing. Allele origin: germline.
Comment: This missense change has been observed in individual(s) with Barth syndrome (PMID: 25941633). This variant is not present in population databases (gnomAD no frequency). This sequence change replaces glycine, which is neutral and non-polar, with arginine, which is basic and polar, at codon 124 of the TAZ protein (p.Gly124Arg). This variant also falls at the last nucleotide of exon 4, which is part of the consensus splice site for this exon. ClinVar contains an entry for this variant (Variation ID: 1799618). In summary, the available evidence is currently insufficient to determine the role of this variant in disease. Therefore, it has been classified as a Variant of Uncertain Significance. Variants that disrupt the consensus splice site are a relatively common cause of aberrant splicing (PMID: 17576681, 9536098). Algorithms developed to predict the effect of sequence changes on RNA splicing suggest that this variant may disrupt the consensus splice site. An algorithm developed to predict the effect of missense changes on protein structure and function (PolyPhen-2) suggests that this variant is likely to be tolerated.

Ambry Genetics
Classification: Uncertain significance for Cardiovascular phenotype. Last evaluated: 2020-12-16. Review status: criteria provided, single submitter. Criteria: Ambry Variant Classification Scheme 2023. Collection method: clinical testing. Allele origin: germline.
Comment: The p.G124R variant (also known as c.370G>A), located in coding exon 4 of the TAZ gene, results from a G to A substitution at nucleotide position 370. The glycine at codon 124 is replaced by arginine, an amino acid with dissimilar properties. However, this change occurs in the last base pair of coding exon 4, which makes it likely to have some effect on normal mRNA splicing. This nucleotide position is highly conserved in available vertebrate species. This amino acid position is not well conserved in available vertebrate species. In silico splice site analysis predicts that this alteration will weaken the native splice donor site. In addition, as a missense substitution this is predicted to be deleterious by in silico analysis. Since supporting evidence is limited at this time, the clinical significance of this alteration remains unclear.

Molecular Diagnostics Lab, Nemours Children's Health, Delaware
Classification: Likely pathogenic for 3-Methylglutaconic aciduria type 2. Last evaluated: 2020-07-24. Review status: criteria provided, single submitter. Criteria: ACMG Guidelines, 2015. Collection method: clinical testing. Allele origin: maternal. Inheritance: X-linked inheritance. Affected: yes. Observed: 2 hemizygotes. Clinical features observed: Family history of heart disease (HP:0032318).

Literature cited by the submitters: PubMed 25941633 (cited by 3 submitters); PubMed 17576681 (cited by Labcorp Genetics (formerly Invitae), Labcorp); PubMed 9536098 (cited by Labcorp Genetics (formerly Invitae), Labcorp); PubMed 21659346 (cited by Ambry Genetics).